The following is an entry in ClinVar:

ClinVar aggregate classification (germline): Benign (1 of 4 stars; one submission).

Allele frequency attached by ClinVar (database versions not stated): 1000 Genomes Project 30x 0.59494; 1000 Genomes Project 0.59605; TOPMed 0.61683; ExAC 0.62020; gnomAD 0.62613; ESP Exome Variant Server 0.62779; gnomAD exomes 0.64657.
gnomAD v4.1: 1,035,892 of 1,609,558 alleles (64%); highest among the groups gnomAD compares: Non-Finnish European, 66%; 335,304 homozygotes.

Submission:

Unidad de Genómica Garrahan, Hospital de Pediatría Garrahan
Classification: Benign. Last evaluated: 2024-01-24. Review status: criteria provided, single submitter. Criteria: ACMG Guidelines, 2015. Collection method: clinical testing. Allele origin: germline. Affected: no. Observed: 69 variant alleles.
Comment: This variant is classified as Benign based on local population frequency. This variant was detected in 78% of patients studied by a panel of primary immunodeficiencies. Number of patients: 69. Only high quality variants are reported.

NM_001040458.3(ERAP1):c.1359T>C (p.Ser453=)

Gene: ERAP1 (endoplasmic reticulum aminopeptidase 1; minus strand). Cytogenetic location: 5q15.
Variant type: single nucleotide variant.
Coding change: c.1359T>C on transcript NM_001040458.3 (MANE Select); coding-DNA position 1359, T replaced by C.
Protein change: p.Ser453=; no amino-acid change (serine 453 retained).
Molecular consequence: synonymous variant.
Genome position (GRCh38, 1-based): chr5:96,790,605, A>G on the plus strand (T>C on the coding strand, the complement: ERAP1 is on the minus strand). VCF-style: chr5-96790605-A-G. GRCh37 (hg19) VCF-style: chr5-96126308-A-G.
Other names: c.1359T>C, p.Ser453= (NM_001198541.3, NM_001349244.2, NM_016442.5).
Identifiers: ClinVar variation 2688362 (VCV002688362.2), dbSNP rs27529, ClinGen allele CA3352282.